The following is an entry in ClinVar:

NM_005458.8(GABBR2):c.1529A>G (p.Lys510Arg)

Gene: GABBR2 (gamma-aminobutyric acid type B receptor subunit 2; minus strand). Cytogenetic location: 9q22.33.
Variant type: single nucleotide variant.
Coding change: c.1529A>G on transcript NM_005458.8 (MANE Select); coding-DNA position 1529, A replaced by G.
Protein change: p.Lys510Arg; replaces lysine 510 with arginine.
Molecular consequence: missense variant.
Genome position (GRCh38, 1-based): chr9:98,388,854, T>C on the plus strand (A>G on the coding strand, the complement: GABBR2 is on the minus strand). VCF-style: chr9-98388854-T-C. GRCh37 (hg19) VCF-style: chr9-101151136-T-C.
Other names: short protein forms K510R.
Identifiers: ClinVar variation 3687144 (VCV003687144.2).

ClinVar aggregate classification (germline): Uncertain significance (1 of 4 stars; one submission).

Conditions:
Epileptic encephalopathy. Identifiers: MedGen C0543888, HP:0200134.

Submission:

Labcorp Genetics (formerly Invitae), Labcorp
Classification: Uncertain significance for Epileptic encephalopathy. Last evaluated: 2024-11-11. Review status: criteria provided, single submitter. Criteria: Invitae Variant Classification Sherloc (09022015). Collection method: clinical testing. Allele origin: germline.
Comment: This sequence change replaces lysine, which is basic and polar, with arginine, which is basic and polar, at codon 510 of the GABBR2 protein (p.Lys510Arg). This variant is not present in population databases (gnomAD no frequency). This variant has not been reported in the literature in individuals affected with GABBR2-related conditions. An algorithm developed to predict the effect of missense changes on protein structure and function (PolyPhen-2) suggests that this variant is likely to be tolerated. In summary, the available evidence is currently insufficient to determine the role of this variant in disease. Therefore, it has been classified as a Variant of Uncertain Significance.